The following is an entry in ClinVar:

NM_001037.5(SCN1B):c.448+256T>A

Gene: SCN1B (sodium voltage-gated channel beta subunit 1; plus strand). Cytogenetic location: 19q13.11.
Variant type: single nucleotide variant.
Coding change: c.448+256T>A on transcript NM_001037.5 (MANE Select); 256 bases into the intron after coding-DNA position 448, T replaced by A.
Molecular consequence: intron variant. On other transcripts: missense variant (1).
Genome position (GRCh38, 1-based): chr19:35,033,995, T>A. VCF-style: chr19-35033995-T-A. GRCh37 (hg19) VCF-style: chr19-35524899-T-A.
Other names: c.704T>A, p.Leu235Gln (NM_199037.5); c.349+256T>A (NM_001321605.2); short protein forms L235Q.
Identifiers: ClinVar variation 2713427 (VCV002713427.3), dbSNP rs2514235376, ClinGen allele CA405329679.

ClinVar aggregate classification (germline): Uncertain significance (1 of 4 stars; one submission).

Conditions:
Brugada syndrome 5 (BRGDA5). Identifiers: Orphanet 130, Orphanet 871, MedGen C2748541, MONDO:0013015, OMIM 612838.

Submission:

Labcorp Genetics (formerly Invitae), Labcorp
Classification: Uncertain significance for Brugada syndrome 5. Last evaluated: 2023-10-03. Review status: criteria provided, single submitter. Criteria: Invitae Variant Classification Sherloc (09022015). Collection method: clinical testing. Allele origin: germline.
Comment: This sequence change replaces leucine, which is neutral and non-polar, with glutamine, which is neutral and polar, at codon 235 of the SCN1B protein (p.Leu235Gln). This variant is not present in population databases (gnomAD no frequency). This variant has not been reported in the literature in individuals affected with SCN1B-related conditions. Algorithms developed to predict the effect of missense changes on protein structure and function output the following: SIFT: "Not Available"; PolyPhen-2: "Possibly Damaging"; Align-GVGD: "Not Available". The glutamine amino acid residue is found in multiple mammalian species, which suggests that this missense change does not adversely affect protein function. In summary, the available evidence is currently insufficient to determine the role of this variant in disease. Therefore, it has been classified as a Variant of Uncertain Significance.